The following is an entry in ClinVar:

NM_002282.3(KRT83):c.843C>T (p.Ala281=)

Gene: KRT83 (keratin 83; minus strand). Cytogenetic location: 12q13.13.
Variant type: single nucleotide variant.
Coding change: c.843C>T on transcript NM_002282.3 (MANE Select); coding-DNA position 843, C replaced by T.
Protein change: p.Ala281=; no amino-acid change (alanine 281 retained).
Molecular consequence: synonymous variant.
Genome position (GRCh38, 1-based): chr12:52,316,931, G>A on the plus strand (C>T on the coding strand, the complement: KRT83 is on the minus strand). VCF-style: chr12-52316931-G-A. GRCh37 (hg19) VCF-style: chr12-52710715-G-A.
Identifiers: ClinVar variation 309516 (VCV000309516.16), dbSNP rs2857669, ClinGen allele CA6577501.
Genomic context (GRCh38, chr12:52,316,931, plus strand): 5'-CCAGGACTCGGCCTCAGCCCGGCTACGGGTGGCAATGTCATCATACTGTGCCTTGATCTC[G>A]GCAACGATGCAGTCCATGTTCAGGTCCCGGCTGTTGTCCAGCTTGACAACCACGGAGGTG-3'
Protein context (NP_002273.3, residues 271-291): SRDLNMDCIV[Ala281=]EIKAQYDDIA

ClinVar aggregate classification (germline): Benign. Review status: criteria provided, multiple submitters, no conflicts (2 of 4 stars). 4 submissions from 4 submitters: Benign (4). Last evaluated 2026-02-04.

Conditions:
Monilethrix. Also called: Beaded hair. Identifiers: Orphanet 573, MedGen C0546966, MONDO:0008009, HP:0032470.

Allele frequency attached by ClinVar (database versions not stated): gnomAD exomes 0.37490 and 0.40899; 1000 Genomes Project 0.37580; ExAC 0.38284; ESP Exome Variant Server 0.43749; 1000 Genomes Project 30x 0.38367; gnomAD 0.41381 and 0.41821; TOPMed 0.41569.

Submissions (4):

Labcorp Genetics (formerly Invitae), Labcorp
Classification: Benign. Last evaluated: 2026-02-04. Review status: criteria provided, single submitter. Criteria: Invitae Variant Classification Sherloc (09022015). Collection method: clinical testing. Allele origin: germline.

GeneDx
Classification: Benign. Last evaluated: 2018-11-12. Review status: criteria provided, single submitter. Criteria: GeneDx Variant Classification Process June 2021. Collection method: clinical testing. Allele origin: germline. Affected: yes.

Illumina Laboratory Services, Illumina
Classification: Benign for Monilethrix-1. Last evaluated: 2018-01-13. Review status: criteria provided, single submitter. Criteria: ICSL Variant Classification Criteria 13 December 2019. Collection method: clinical testing. Allele origin: germline.
Comment: This variant was observed in the ICSL laboratory as part of a predisposition screen in an ostensibly healthy population. It had not been previously curated by ICSL or reported in the Human Gene Mutation Database (HGMD: prior to June 1st, 2018), and was therefore a candidate for classification through an automated scoring system. Utilizing variant allele frequency, disease prevalence and penetrance estimates, and inheritance mode, an automated score was calculated to assess if this variant is too frequent to cause the disease. Based on the score and internal cut-off values, a variant classified as benign is not then subjected to further curation. The score for this variant resulted in a classification of benign for this disease.

Breakthrough Genomics
Classification: Benign. Review status: criteria provided, single submitter. Criteria: ACMG Guidelines, 2015. Collection method: not provided. Allele origin: germline. Inheritance: Autosomal recessive inheritance. Affected: yes.